The following is an entry in ClinVar:

ClinVar aggregate classification (germline): Conflicting classifications of pathogenicity. Review status: criteria provided, conflicting classifications (1 of 4 stars). 3 submissions from 3 submitters: Uncertain significance (2); Likely benign (1). Last evaluated 2024-09-20.

Allele frequency attached by ClinVar (database versions not stated): gnomAD exomes below 0.00001 and 0.00002; gnomAD 0.00001; ExAC 0.00005; 1000 Genomes Project 0.00020; 1000 Genomes Project 30x 0.00031.
gnomAD v4.1: 4 of 1,551,124 alleles (0.00026%); highest among the groups gnomAD compares: South Asian, 0.0012%; no homozygotes.

Submissions (3):

Blueprint Genetics
Classification: Uncertain significance. Last evaluated: 2024-09-20. Review status: criteria provided, single submitter. Criteria: ACMG Guidelines, 2015. Collection method: clinical testing. Allele origin: germline.

Labcorp Genetics (formerly Invitae), Labcorp
Classification: Likely benign. Last evaluated: 2024-06-12. Review status: criteria provided, single submitter. Criteria: Invitae Variant Classification Sherloc (09022015). Collection method: clinical testing. Allele origin: germline.

GeneDx
Classification: Uncertain significance. Last evaluated: 2018-05-14. Review status: criteria provided, single submitter. Criteria: GeneDx Variant Classification (06012015). Collection method: clinical testing. Allele origin: germline. Affected: yes.
Comment: The c.5166 C>T variant has not been published as a pathogenic variant, nor has it been reported as a benign variant to our knowledge. The c.5166 C>T variant is not observed at a significant frequency in large population cohorts (Lek et al., 2016). Several in silico splice prediction models predict that c.5166 C>T either destroys or impacts the splice donor site of exon 37 and may lead to abnormal gene splicing. However, in the absence of RNA/functional studies, the actual effect of this sequence change in this individual is unknown. Therefore, based on the currently available information, it is unclear whether this variant is a pathogenic variant or a rare benign variant.

NM_000260.4(MYO7A):c.5166C>T (p.Phe1722=)

Gene: MYO7A (myosin VIIA; plus strand). Cytogenetic location: 11q13.5.
Variant type: single nucleotide variant.
Coding change: c.5166C>T on transcript NM_000260.4 (MANE Select); coding-DNA position 5166, C replaced by T.
Protein change: p.Phe1722=; no amino-acid change (phenylalanine 1722 retained).
Molecular consequence: synonymous variant.
Genome position (GRCh38, 1-based): chr11:77,202,422, C>T. VCF-style: chr11-77202422-C-T. GRCh37 (hg19) VCF-style: chr11-76913467-C-T.
Other names: c.5052C>T, p.Phe1684= (NM_001127180.2); c.5019C>T, p.Phe1673= (NM_001369365.1).
Identifiers: ClinVar variation 546166 (VCV000546166.13), dbSNP rs566614598, ClinGen allele CA6198634.